The following is an entry in ClinVar:

ClinVar aggregate classification (germline): Uncertain significance (1 of 4 stars; one submission).

Submission:

Labcorp Genetics (formerly Invitae), Labcorp
Classification: Uncertain significance. Last evaluated: 2022-12-02. Review status: criteria provided, single submitter. Criteria: Invitae Variant Classification Sherloc (09022015). Collection method: clinical testing. Allele origin: germline.
Comment: In summary, the available evidence is currently insufficient to determine the role of this variant in disease. Therefore, it has been classified as a Variant of Uncertain Significance. Experimental studies and prediction algorithms are not available or were not evaluated, and the functional significance of this variant is currently unknown. This variant has not been reported in the literature in individuals affected with PDP1-related conditions. This variant is not present in population databases (gnomAD no frequency). This sequence change creates a premature translational stop signal (p.Asn210*) in the PDP1 gene. While this is not anticipated to result in nonsense mediated decay, it is expected to disrupt the last 328 amino acid(s) of the PDP1 protein.

NM_018444.4(PDP1):c.627dup (p.Asn210Ter)

Gene: PDP1 (pyruvate dehydrogenase phosphatase catalytic subunit 1; plus strand). Cytogenetic location: 8q22.1.
Variant type: Duplication.
Coding change: c.627dup on transcript NM_018444.4 (MANE Select); coding-DNA position 627, one base duplicated (T; older notation c.627dupT).
Protein change: p.Asn210Ter; replaces asparagine 210 with a stop codon.
Molecular consequence: nonsense.
Genome position (GRCh38, 1-based): chr8:93,922,686, T duplicated; the last of 3 consecutive T bases (chr8:93,922,684-93,922,686); duplicating any one gives the same sequence. VCF-style (leftmost placement, unchanged base first): chr8-93922683-C-CT. GRCh37 (hg19) VCF-style: chr8-94934911-C-CT.
Other names: c.702dup, p.Asn235Ter (NM_001161779.2, NM_001161780.2); c.627dup, p.Asn210Ter (NM_001161781.2); short protein forms N210*, N235*.
Identifiers: ClinVar variation 2049175 (VCV002049175.4), dbSNP rs2537059964, ClinGen allele CA2580079047.